The following is an entry in ClinVar:

NM_016507.4(CDK12):c.139T>G (p.Ser47Ala)

Genes: CDK12 (cyclin dependent kinase 12; plus strand), LOC126862553 (CDK7 strongly-dependent group 2 enhancer GRCh37_chr17:37618166-37619365; plus strand). Cytogenetic location: 17q12.
Variant type: single nucleotide variant.
Coding change: c.139T>G on transcript NM_016507.4 (MANE Select); coding-DNA position 139, T replaced by G.
Protein change: p.Ser47Ala; replaces serine 47 with alanine.
Molecular consequence: missense variant.
Genome position (GRCh38, 1-based): chr17:39,462,210, T>G. VCF-style: chr17-39462210-T-G. GRCh37 (hg19) VCF-style: chr17-37618463-T-G.
Other names: c.139T>G, p.Ser47Ala (NM_015083.4); short protein forms S47A.
Identifiers: ClinVar variation 5034093 (VCV005034093.1).
Genomic context (GRCh38, chr17:39,462,210, plus strand): 5'-GGCGGCAGCTCTAACAGCAGAGAGCGTCACCGCTTGGTATCGAAGCACAAGCGGCATAAG[T>G]CCAAACACTCCAAAGACATGGGGTTGGTGACCCCCGAAGCAGCATCCCTGGGCACAGTTA-3'
Protein context (NP_057591.2, residues 37-57): RLVSKHKRHK[Ser47Ala]KHSKDMGLVT

ClinVar aggregate classification (germline): Uncertain significance (1 of 4 stars; one submission).

Submission:

Ambry Genetics
Classification: Uncertain significance. Last evaluated: 2026-07-13. Review status: criteria provided, single submitter. Criteria: Ambry Variant Classification Scheme 2023. Collection method: clinical testing. Allele origin: germline.
Comment: The p.S47A variant (also known as c.139T>G), located in coding exon 1 of the CDK12 gene, results from a T to G substitution at nucleotide position 139. The serine at codon 47 is replaced by alanine, an amino acid with similar properties. This amino acid position is conserved. In addition, this alteration is predicted to be tolerated by in silico analysis. Based on the available evidence, the clinical significance of this variant remains unclear.